The following is an entry in ClinVar:

ClinVar aggregate classification (germline): Pathogenic. Review status: criteria provided, multiple submitters, no conflicts (2 of 4 stars). 3 submissions from 3 submitters: Pathogenic (3). Last evaluated 2024-04-25.

Conditions:
Hereditary cancer-predisposing syndrome. Also called: Tumor predisposition; Hereditary neoplastic syndrome; Neoplastic Syndromes, Hereditary; Hereditary Cancer Syndrome. Identifiers: Orphanet 140162, MedGen C0027672, MeSH D009386, MONDO:0015356.
Familial adenomatous polyposis 4 (FAP4). Also called: MSH3-related attenuated familial adenomatous polyposis. Identifiers: Orphanet 480536, MedGen C4310719, MONDO:0044300, OMIM 617100.

Submissions (3):

Myriad Genetics, Inc.
Classification: Pathogenic for Familial adenomatous polyposis 4. Last evaluated: 2024-04-25. Review status: criteria provided, single submitter. Criteria: Myriad Autosomal Dominant, Autosomal Recessive and X-Linked Classification Criteria (2023). Collection method: clinical testing. Allele origin: unknown.
Comment: This variant is considered pathogenic. This variant creates a frameshift predicted to result in premature protein truncation.

Ambry Genetics
Classification: Pathogenic for Hereditary cancer-predisposing syndrome. Last evaluated: 2023-10-10. Review status: criteria provided, single submitter. Criteria: Ambry Variant Classification Scheme 2023. Collection method: clinical testing. Allele origin: germline.
Comment: The c.1296delG pathogenic mutation, located in coding exon 8 of the MSH3 gene, results from a deletion of one nucleotide at nucleotide position 1296, causing a translational frameshift with a predicted alternate stop codon (p.L432Ffs*64). This alteration is expected to result in loss of function by premature protein truncation or nonsense-mediated mRNA decay. As such, this alteration is interpreted as a disease-causing mutation.

Labcorp Genetics (formerly Invitae), Labcorp
Classification: Pathogenic. Last evaluated: 2022-07-26. Review status: criteria provided, single submitter. Criteria: Invitae Variant Classification Sherloc (09022015). Collection method: clinical testing. Allele origin: germline.
Comment: For these reasons, this variant has been classified as Pathogenic. ClinVar contains an entry for this variant (Variation ID: 952440). This variant has not been reported in the literature in individuals affected with MSH3-related conditions. This variant is not present in population databases (gnomAD no frequency). This sequence change creates a premature translational stop signal (p.Leu432Phefs*64) in the MSH3 gene. It is expected to result in an absent or disrupted protein product. Loss-of-function variants in MSH3 are known to be pathogenic (PMID: 27476653).

Literature cited by the submitters: PubMed 27476653 (cited by Labcorp Genetics (formerly Invitae), Labcorp).

NM_002439.5(MSH3):c.1296del (p.Leu432fs)

Gene: MSH3 (mutS homolog 3; plus strand). Cytogenetic location: 5q14.1.
Variant type: Deletion.
Coding change: c.1296del on transcript NM_002439.5 (MANE Select); coding-DNA position 1296, one base deleted (G; older notation c.1296delG).
Protein change: p.Leu432fs; shifts the reading frame from leucine 432.
Molecular consequence: frameshift variant.
Genome position (GRCh38, 1-based): chr5:80,679,049, G deleted. VCF-style (leftmost placement, unchanged base first): chr5-80679048-TG-T. GRCh37 (hg19) VCF-style: chr5-79974867-TG-T.
Other names: c.1296delG (NM_002439.3); short protein forms L432fs.
Identifiers: ClinVar variation 952440 (VCV000952440.9), dbSNP rs1749906415, ClinGen allele CA1139658929.